The following is an entry in ClinVar:

ClinVar aggregate classification (germline): Likely benign (1 of 4 stars; one submission).

Submission:

CeGaT Center for Human Genetics Tuebingen
Classification: Likely benign. Last evaluated: 2026-05-01. Review status: criteria provided, single submitter. Criteria: CeGaT Center For Human Genetics Tuebingen Variant Classification Criteria Version 2. Collection method: clinical testing. Allele origin: germline. Affected: yes. Observed: 1 variant allele.
Comment: RHOBTB2: BP4, BP7

NM_015178.3(RHOBTB2):c.1089T>G (p.Arg363=)

Gene: RHOBTB2 (Rho related BTB domain containing 2; plus strand). Cytogenetic location: 8p21.3.
Variant type: single nucleotide variant.
Coding change: c.1089T>G on transcript NM_015178.3 (MANE Select); coding-DNA position 1089, T replaced by G.
Protein change: p.Arg363=; no amino-acid change (arginine 363 retained).
Molecular consequence: synonymous variant.
Genome position (GRCh38, 1-based): chr8:23,007,334, T>G. VCF-style: chr8-23007334-T-G. GRCh37 (hg19) VCF-style: chr8-22864847-T-G.
Other names: c.1155T>G, p.Arg385= (NM_001160036.2); c.1110T>G, p.Arg370= (NM_001160037.2); c.1089T>G, p.Arg363= (NM_001374791.1).
Identifiers: ClinVar variation 4873816 (VCV004873816.2).